The following is an entry in ClinVar:

ClinVar aggregate classification (germline): Benign/Likely benign. Review status: criteria provided, multiple submitters, no conflicts (2 of 4 stars). 19 submissions from 19 submitters: Benign (6); Likely benign (7). 6 of the submissions do not count toward it. Last evaluated 2026-01-27.

Conditions:
ATM-related disorder. Also called: ATM-related disorders; ATM-related condition.
Breast and/or ovarian cancer. Identifiers: MedGen CN221562.
Hereditary cancer-predisposing syndrome. Also called: Tumor predisposition; Hereditary neoplastic syndrome; Hereditary Cancer Syndrome; Neoplastic Syndromes, Hereditary. Identifiers: Orphanet 140162, MedGen C0027672, MeSH D009386, MONDO:0015356.
Familial cancer of breast. Also called: Hereditary breast cancer; hereditary breast carcinoma; BREAST CANCER, FAMILIAL. Identifiers: Orphanet 227535, MedGen C0346153, MONDO:0016419, OMIM 114480. Disease mechanism: loss of function.
Ataxia-telangiectasia syndrome (AT). Also called: ATAXIA-TELANGIECTASIA, COMPLEMENTATION GROUP A; ATAXIA-TELANGIECTASIA, FRESNO VARIANT; Ataxia-telangiectasia; Ataxia-telangiectasia, complementation group D; AT, COMPLEMENTATION GROUP C; Ataxia-telangiectasia, complementation group E. Identifiers: Orphanet 100, MedGen C0004135, MONDO:0008840, OMIM 208900.
Malignant tumor of breast. Also called: Cancer breast; Malignant breast neoplasm. Identifiers: MedGen C0006142, MONDO:0007254. Disease mechanism: loss of function.

Allele frequency attached by ClinVar (database versions not stated): gnomAD 0.00013 and 0.00009; gnomAD exomes 0.00020 and 0.00028; ExAC 0.00023; ESP Exome Variant Server 0.00008; TOPMed 0.00011.

Submissions (19):

Labcorp Genetics (formerly Invitae), Labcorp
Classification: Benign for Ataxia-telangiectasia syndrome. Last evaluated: 2026-01-27. Review status: criteria provided, single submitter. Criteria: Invitae Variant Classification Sherloc (09022015). Collection method: clinical testing. Allele origin: germline.

Center for Genomic Medicine, Rigshospitalet, Copenhagen University Hospital
Classification: Likely benign. Last evaluated: 2025-03-04. Review status: criteria provided, single submitter. Criteria: ACMG Guidelines, 2015. Collection method: clinical testing. Allele origin: germline.

Blueprint Genetics
Classification: Likely benign. Last evaluated: 2024-07-29. Review status: criteria provided, single submitter. Criteria: ACMG Guidelines, 2015. Collection method: clinical testing. Allele origin: germline.

Myriad Genetics, Inc.
Classification: Benign for Familial cancer of breast. Last evaluated: 2024-05-21. Review status: criteria provided, single submitter. Criteria: Myriad Autosomal Dominant, Autosomal Recessive and X-Linked Classification Criteria (2023). Collection method: clinical testing. Allele origin: unknown.
Comment: This variant is considered benign. This variant is intronic and is not expected to impact mRNA splicing. This variant is strongly associated with less severe personal and family histories of cancer, typical for individuals without pathogenic variants in this gene [PMID: 25085752].

CeGaT Center for Human Genetics Tuebingen
Classification: Likely benign. Last evaluated: 2024-04-01. Review status: criteria provided, single submitter. Criteria: CeGaT Center For Human Genetics Tuebingen Variant Classification Criteria Version 2. Collection method: clinical testing. Allele origin: germline. Affected: yes. Observed: 2 variant alleles.
Comment: ATM: BP4

Institute for Biomarker Research, Medical Diagnostic Laboratories, L.L.C.
Classification: Likely benign for Hereditary cancer-predisposing syndrome. Last evaluated: 2023-12-19. Review status: criteria provided, single submitter. Criteria: ACMG Guidelines, 2015. Collection method: clinical testing. Allele origin: germline.

CHEO Genetics Diagnostic Laboratory, Children's Hospital of Eastern Ontario
Classification: Likely benign for Breast and/or ovarian cancer. Last evaluated: 2021-05-26. Review status: criteria provided, single submitter. Criteria: ACMG Guidelines, 2015. Collection method: clinical testing. Allele origin: germline.

Athena Diagnostics
Classification: Benign. Last evaluated: 2021-05-07. Review status: criteria provided, single submitter. Criteria: Athena Diagnostics criteria. Collection method: clinical testing. Allele origin: unknown.

Quest Diagnostics Nichols Institute San Juan Capistrano
Classification: Benign. Last evaluated: 2021-05-07. Review status: criteria provided, single submitter. Criteria: Quest Diagnostics criteria. Collection method: clinical testing. Allele origin: unknown.

Women's Health and Genetics/Laboratory Corporation of America, LabCorp
Classification: Benign. Last evaluated: 2019-09-20. Review status: criteria provided, single submitter. Criteria: LabCorp Variant Classification Summary - May 2015. Collection method: clinical testing. Allele origin: germline.
Comment: Variant summary: ATM c.5005+7_5005+8delTA alters a conserved nucleotide located close to a canonical splice site and therefore could affect mRNA splicing, leading to a significantly altered protein sequence. 5/5 computational tools predict no significant impact on normal splicing. However, these predictions have yet to be confirmed by functional studies. The variant allele was found at a frequency of 0.00028 in 250464 control chromosomes, predominantly at a frequency of 0.0013 within the South Asian subpopulation in the gnomAD database, including 1 homozygotes. The observed variant frequency within South Asian control individuals in the gnomAD database is approximately 1.3 fold of the estimated maximal expected allele frequency for a pathogenic variant in ATM causing Breast Cancer phenotype (0.001), strongly suggesting that the variant is a benign polymorphism found primarily in populations of South Asian origin. To our knowledge, no occurrence of c.5005+7_5005+8delTA in individuals affected with Breast Cancer and no experimental evidence demonstrating its impact on protein function have been reported. Five clinical diagnostic laboratories have submitted clinical-significance assessments for this variant to ClinVar after 2014 without evidence for independent evaluation. Four classified as likely benign while one classified as VUS. Based on the evidence outlined above, the variant was classified as benign.

Genetic Services Laboratory, University of Chicago
Classification: Likely benign. Last evaluated: 2016-06-27. Review status: criteria provided, single submitter. Criteria: ACMG Guidelines, 2015. Collection method: clinical testing. Allele origin: germline. Affected: no.

Color Diagnostics, LLC DBA Color Health
Classification: Likely benign for Hereditary cancer-predisposing syndrome. Last evaluated: 2015-04-15. Review status: criteria provided, single submitter. Criteria: ACMG Guidelines, 2015. Collection method: clinical testing. Allele origin: germline.

GeneDx
Classification: Benign for Neoplastic Syndromes, Hereditary. Last evaluated: 2014-10-01. Review status: criteria provided, single submitter. Criteria: GeneDx Variant Classification (06012015). Collection method: clinical testing. Allele origin: germline. Affected: yes.
Comment: The variant is found in BR-OV-HEREDIC,HEREDICANCER panel(s).

Natera, Inc.
Classification: Likely benign for Ataxia-telangiectasia. Last evaluated: 2019-11-11. Review status: no assertion criteria provided. Collection method: clinical testing. Allele origin: germline. Not counted in ClinVar's aggregate classification.

PreventionGenetics, part of Exact Sciences
Classification: Likely benign for ATM-related condition. Last evaluated: 2019-09-10. Review status: no assertion criteria provided. Collection method: clinical testing. Allele origin: germline. Not counted in ClinVar's aggregate classification.
Comment: This variant is classified as likely benign based on ACMG/AMP sequence variant interpretation guidelines (Richards et al. 2015 PMID: 25741868, with internal and published modifications).

True Health Diagnostics
Classification: Likely benign for Hereditary cancer-predisposing syndrome. Last evaluated: 2017-06-21. Review status: no assertion criteria provided. Collection method: clinical testing. Allele origin: germline. Not counted in ClinVar's aggregate classification.

Clinical Genetics DNA and cytogenetics Diagnostics Lab, Erasmus MC, Erasmus Medical Center
Classification: Likely benign. Review status: no assertion criteria provided. Collection method: clinical testing. Allele origin: germline. Affected: yes. Study: VKGL Data-share Consensus. Not counted in ClinVar's aggregate classification.

Department of Pathology and Laboratory Medicine, Sinai Health System
Classification: Likely benign for Malignant tumor of breast. Review status: no assertion criteria provided. Collection method: clinical testing. Allele origin: unknown. Affected: yes. Study: The Canadian Open Genetics Repository (COGR). Not counted in ClinVar's aggregate classification.
Comment: The ATM c.5005+7_5005+8delTA variant was not identified in the literature nor was it identified in the GeneInsight-COGR, MutDB, LOVD 3.0, databases. The variant was also identified in dbSNP (ID: rs587780626) â€šÃ„ÃºWith other alleleâ€šÃ„Ã¹, ClinVar (classified with conflicting interpretations of pathogenicity: submitters: benign by GeneDx, likely benign by Invitae, Illumina Clinical Services Laboratory, Genetic Services Laboratory (University of Chicago) and Color Genomics Inc.), Clinvitae (3X), and in 68 (1 homozygous) of 276222 control chromosomes (frequency: 0.0002) the Genome Aggregation Database (Feb 27, 2017). Breakdown of observations by population are: South Asian in 40 (1 homozygous) of 30774 chromosomes (frequency: 0.001), Ashkenazi Jewish in 10 of 10126 chromosomes (frequency: 0.001), Other in 2 of 6442 chromosomes (frequency: 0.0003), European (Non-Finnish) in 15 of 125944 chromosomes (frequency: 0.0001), and Latino in 1 of 34388 chromosomes (frequency: 0.00003), while not observed in the African, East Asian and European (Finnish) populations. The variant occurs outside of the splicing consensus sequence and 1 of 5 in silico or computational prediction software programs (SpliceSiteFinder, MaxEntScan, NNSPLICE, GeneSplicer, HumanSpliceFinder) predict a greater than 10% difference in splicing; this is not very predictive of pathogenicity. In summary, based on the above information the clinical significance of this variant cannot be determined with certainty at this time although we would lean towards a more benign role for this variant. This variant is classified as likely benign.

Genome Diagnostics Laboratory, University Medical Center Utrecht
Classification: Likely benign. Review status: no assertion criteria provided. Collection method: clinical testing. Allele origin: germline. Affected: yes. Study: VKGL Data-share Consensus. Not counted in ClinVar's aggregate classification.

Literature cited by the submitters: PubMed 25085752 (cited by Myriad Genetics, Inc.); PubMed 28779002 (cited by Athena Diagnostics and Quest Diagnostics Nichols Institute San Juan Capistrano).

NM_000051.4(ATM):c.5005+7_5005+8del

Gene: ATM (ATM serine/threonine kinase; plus strand). Cytogenetic location: 11q22.3.
Variant type: Deletion.
Coding change: c.5005+7_5005+8del on transcript NM_000051.4 (MANE Select); bases 7 to 8 of the intron after coding-DNA position 5005, 2 bases deleted (TA; older notation c.5005+7_5005+8delTA).
Molecular consequence: intron variant.
Genome position (GRCh38, 1-based): chr11:108,297,389-108,297,390, TA deleted. VCF-style (leftmost placement, unchanged base first): chr11-108297388-CTA-C. GRCh37 (hg19) VCF-style: chr11-108168115-CTA-C.
Other names: c.5005+7_5005+8del (NM_001351834.2); c.5005+7_5005+8delTA (NM_000051.4, NM_000051.3).
Identifiers: ClinVar variation 135759 (VCV000135759.69), dbSNP rs587780626, ClinGen allele CA298005.